The following is an entry in ClinVar:

ClinVar aggregate classification (germline): Uncertain significance (1 of 4 stars; one submission).

gnomAD v4.1: 1 of 1,613,766 alleles (0.000062%); highest among the groups gnomAD compares: African/African-American, 0.0013%; no homozygotes.

Submission:

Labcorp Genetics (formerly Invitae), Labcorp
Classification: Uncertain significance. Last evaluated: 2024-01-17. Review status: criteria provided, single submitter. Criteria: Invitae Variant Classification Sherloc (09022015). Collection method: clinical testing. Allele origin: germline.
Comment: This sequence change replaces arginine, which is basic and polar, with glycine, which is neutral and non-polar, at codon 1663 of the MYH3 protein (p.Arg1663Gly). This variant is present in population databases (no rsID available, gnomAD 0.01%). This variant has not been reported in the literature in individuals affected with MYH3-related conditions. ClinVar contains an entry for this variant (Variation ID: 1370997). Advanced modeling of protein sequence and biophysical properties (such as structural, functional, and spatial information, amino acid conservation, physicochemical variation, residue mobility, and thermodynamic stability) performed at Invitae indicates that this missense variant is not expected to disrupt MYH3 protein function with a negative predictive value of 95%. In summary, the available evidence is currently insufficient to determine the role of this variant in disease. Therefore, it has been classified as a Variant of Uncertain Significance.

NM_002470.4(MYH3):c.4987C>G (p.Arg1663Gly)

Gene: MYH3 (myosin heavy chain 3; minus strand). Cytogenetic location: 17p13.1.
Variant type: single nucleotide variant.
Coding change: c.4987C>G on transcript NM_002470.4 (MANE Select); coding-DNA position 4987, C replaced by G.
Protein change: p.Arg1663Gly; replaces arginine 1663 with glycine.
Molecular consequence: missense variant.
Genome position (GRCh38, 1-based): chr17:10,631,986, G>C on the plus strand (C>G on the coding strand, the complement: MYH3 is on the minus strand). VCF-style: chr17-10631986-G-C. GRCh37 (hg19) VCF-style: chr17-10535303-G-C.
Other names: short protein forms R1663G.
Identifiers: ClinVar variation 1370997 (VCV001370997.6), dbSNP rs777159320, ClinGen allele CA398135751.